The following is an entry in ClinVar:

NM_001010892.3(RSPH4A):c.325C>T (p.Gln109Ter)

Gene: RSPH4A (radial spoke head component 4A; plus strand). Cytogenetic location: 6q22.1.
Variant type: single nucleotide variant.
Coding change: c.325C>T on transcript NM_001010892.3 (MANE Select); coding-DNA position 325, C replaced by T.
Protein change: p.Gln109Ter; replaces glutamine 109 with a stop codon.
Molecular consequence: nonsense.
Genome position (GRCh38, 1-based): chr6:116,616,948, C>T. VCF-style: chr6-116616948-C-T. GRCh37 (hg19) VCF-style: chr6-116938111-C-T.
Other names: c.325C>T, p.Gln109Ter (NM_001161664.2); short protein forms Q109*.
Identifiers: ClinVar variation 504 (VCV000000504.7), dbSNP rs118204042, ClinGen allele CA339819.

ClinVar aggregate classification (germline): Pathogenic. Review status: criteria provided, single submitter (1 of 4 stars). 3 submissions from 3 submitters: Pathogenic (1). 2 of the submissions do not count toward it. Last evaluated 2025-05-21.

Conditions:
Primary ciliary dyskinesia. Also called: Ciliary dyskinesia. Identifiers: Orphanet 244, MedGen C0008780, MONDO:0016575, HP:0012265.
Primary ciliary dyskinesia 11. Also called: CILIARY DYSKINESIA, PRIMARY, 11, WITHOUT SITUS INVERSUS. Identifiers: Orphanet 244, MedGen C2675229, MONDO:0012978, OMIM 612649.

Allele frequency attached by ClinVar (database versions not stated): ExAC 0.00001; gnomAD 0.00001; gnomAD exomes 0.00001 and 0.00002; TOPMed 0.00001.
gnomAD v4.1: 31 of 1,614,114 alleles (0.0019%); highest among the groups gnomAD compares: Non-Finnish European, 0.0026%; no homozygotes.

Submissions (3):

Labcorp Genetics (formerly Invitae), Labcorp
Classification: Pathogenic for Primary ciliary dyskinesia. Last evaluated: 2025-05-21. Review status: criteria provided, single submitter. Criteria: Invitae Variant Classification Sherloc (09022015). Collection method: clinical testing. Allele origin: germline.
Comment: This sequence change creates a premature translational stop signal (p.Gln109*) in the RSPH4A gene. It is expected to result in an absent or disrupted protein product. Loss-of-function variants in RSPH4A are known to be pathogenic (PMID: 19200523). This variant is present in population databases (rs118204042, gnomAD 0.002%). This premature translational stop signal has been observed in individual(s) with primary ciliary dyskinesia (PMID: 19200523, 22448264). ClinVar contains an entry for this variant (Variation ID: 504). For these reasons, this variant has been classified as Pathogenic.

OMIM
Classification: Pathogenic for CILIARY DYSKINESIA, PRIMARY, 11, WITHOUT SITUS INVERSUS. Last evaluated: 2009-02-01. Review status: no assertion criteria provided. Collection method: literature only. Allele origin: germline. Not counted in ClinVar's aggregate classification.

GeneReviews
No classification provided. Condition: Primary ciliary dyskinesia 11. Review status: no classification provided. Collection method: literature only. Allele origin: unknown. Not counted in ClinVar's aggregate classification.

Literature cited by the submitters: PubMed 19200523 (cited by 3 submitters); PubMed 22448264 (cited by Labcorp Genetics (formerly Invitae), Labcorp); PubMed 20301301 (cited by GeneReviews); NCBI Bookshelf NBK1122 (cited by GeneReviews).